The following is an entry in ClinVar:

NM_022051.3(EGLN1):c.349C>G (p.Pro117Ala)

Gene: EGLN1 (egl-9 family hypoxia inducible factor 1; minus strand). Cytogenetic location: 1q42.2.
Variant type: single nucleotide variant.
Coding change: c.349C>G on transcript NM_022051.3 (MANE Select); coding-DNA position 349, C replaced by G.
Protein change: p.Pro117Ala; replaces proline 117 with alanine.
Molecular consequence: missense variant.
Genome position (GRCh38, 1-based): chr1:231,421,540, G>C on the plus strand (C>G on the coding strand, the complement: EGLN1 is on the minus strand). VCF-style: chr1-231421540-G-C. GRCh37 (hg19) VCF-style: chr1-231557286-G-C.
Other names: c.349C>G, p.Pro117Ala (NM_001377260.1, NM_001377261.1); short protein forms P117A.
Identifiers: ClinVar variation 1732017 (VCV001732017.2), dbSNP rs1302770820, ClinGen allele CA345237535.

ClinVar aggregate classification (germline): Uncertain significance (1 of 4 stars; one submission).

gnomAD v4.1: 12 of 1,297,586 alleles (0.00092%); highest among the groups gnomAD compares: Non-Finnish European, 0.00088%; no homozygotes.

Submission:

Ambry Genetics
Classification: Uncertain significance. Last evaluated: 2023-12-29. Review status: criteria provided, single submitter. Criteria: Ambry Variant Classification Scheme 2023. Collection method: clinical testing. Allele origin: germline.
Comment: The p.P117A variant (also known as c.349C>G), located in coding exon 1 of the EGLN1 gene, results from a C to G substitution at nucleotide position 349. The proline at codon 117 is replaced by alanine, an amino acid with highly similar properties. This amino acid position is conserved. In addition, this alteration is predicted to be tolerated by in silico analysis. Since supporting evidence is limited at this time, the clinical significance of this alteration remains unclear.